The following is an entry in ClinVar:

ClinVar aggregate classification (germline): Conflicting classifications of pathogenicity. Review status: criteria provided, conflicting classifications (1 of 4 stars). 2 submissions from 2 submitters: Uncertain significance (1); Likely benign (1). Last evaluated 2022-07-19.

Conditions:
Inborn genetic diseases. Identifiers: MedGen C0950123, MeSH D030342.
Acrocallosal syndrome (ACLS). Also called: HALLUX DUPLICATION, POSTAXIAL POLYDACTYLY, AND ABSENCE OF CORPUS CALLOSUM; Schinzel syndrome 1; Absence of corpus callosum with unusual facial appearance, mental deficiency, duplication of the halluces and polydactyly. Identifiers: Orphanet 36, MedGen C0796147, MONDO:0008708, OMIM 200990.

Allele frequency attached by ClinVar (database versions not stated): gnomAD 0.00001; TOPMed 0.00003; ExAC 0.00005.
gnomAD v4.1: 24 of 1,551,754 alleles (0.0015%); highest among the groups gnomAD compares: African/African-American, 0.0027%; no homozygotes.

Submissions (2):

Labcorp Genetics (formerly Invitae), Labcorp
Classification: Uncertain significance for Acrocallosal syndrome. Last evaluated: 2022-07-19. Review status: criteria provided, single submitter. Criteria: Invitae Variant Classification Sherloc (09022015). Collection method: clinical testing. Allele origin: germline.
Comment: This sequence change replaces arginine, which is basic and polar, with histidine, which is basic and polar, at codon 173 of the KIF7 protein (p.Arg173His). This variant is present in population databases (rs768030553, gnomAD 0.004%). This variant has not been reported in the literature in individuals affected with KIF7-related conditions. Algorithms developed to predict the effect of missense changes on protein structure and function output the following: SIFT: "Deleterious"; PolyPhen-2: "Benign"; Align-GVGD: "Class C0". The histidine amino acid residue is found in multiple mammalian species, which suggests that this missense change does not adversely affect protein function. In summary, the available evidence is currently insufficient to determine the role of this variant in disease. Therefore, it has been classified as a Variant of Uncertain Significance.

Ambry Genetics
Classification: Likely benign for Inborn genetic diseases. Last evaluated: 2022-05-18. Review status: criteria provided, single submitter. Criteria: Ambry Variant Classification Scheme 2023. Collection method: clinical testing. Allele origin: germline.

NM_198525.3(KIF7):c.518G>A (p.Arg173His)

Gene: KIF7 (kinesin family member 7; minus strand). Cytogenetic location: 15q26.1.
Variant type: single nucleotide variant.
Coding change: c.518G>A on transcript NM_198525.3 (MANE Select); coding-DNA position 518, G replaced by A.
Protein change: p.Arg173His; replaces arginine 173 with histidine.
Molecular consequence: missense variant.
Genome position (GRCh38, 1-based): chr15:89,649,752, C>T on the plus strand (G>A on the coding strand, the complement: KIF7 is on the minus strand). VCF-style: chr15-89649752-C-T. GRCh37 (hg19) VCF-style: chr15-90192983-C-T.
Other names: c.518G>A (NM_198525.2); short protein forms R173H.
Identifiers: ClinVar variation 2137357 (VCV002137357.2), dbSNP rs768030553, ClinGen allele CA7728628.
Genomic context (GRCh38, chr15:89,649,752, plus strand): 5'-AGCCCCCCTAAGCCCCTCTCCGTCAGTGGAGGACCCCAGAGTTCCTCACCAACATTCCCG[C>T]GCTCATCTTCCCGGAGCTGGATGTCACGGCTGGCAGTGCCCACCTCGAGCAGGTCTCGGA-3'
Protein context (NP_940927.2, residues 163-183): SRDIQLREDE[Arg173His]GNVVLCGVKE